The following is an entry in ClinVar:

NM_007254.4(PNKP):c.1495C>T (p.Leu499=)

Gene: PNKP (polynucleotide kinase 3'-phosphatase; minus strand). Cytogenetic location: 19q13.33.
Variant type: single nucleotide variant.
Coding change: c.1495C>T on transcript NM_007254.4 (MANE Select); coding-DNA position 1495, C replaced by T.
Protein change: p.Leu499=; no amino-acid change (leucine 499 retained).
Molecular consequence: synonymous variant.
Genome position (GRCh38, 1-based): chr19:49,861,319, G>A on the plus strand (C>T on the coding strand, the complement: PNKP is on the minus strand). VCF-style: chr19-49861319-G-A. GRCh37 (hg19) VCF-style: chr19-50364576-G-A.
Other names: p.L499L:CTG>TTG.
Identifiers: ClinVar variation 138724 (VCV000138724.1), dbSNP rs587781114, ClinGen allele CA292805.

ClinVar aggregate classification (germline): Benign (1 of 4 stars; one submission).

Allele frequency attached by ClinVar (database versions not stated): TOPMed 0.00001.
gnomAD v4.1: 2 of 1,614,156 alleles (0.00012%); highest among the groups gnomAD compares: Non-Finnish European, 0.00017%; no homozygotes.

Submission:

GeneDx
Classification: Benign. Last evaluated: 2013-10-11. Review status: criteria provided, single submitter. Criteria: GeneDx Variant Classification (06012015). Collection method: clinical testing. Allele origin: germline. Affected: yes.
Comment: This variant is considered likely benign or benign based on one or more of the following criteria: it is a conservative change, it occurs at a poorly conserved position in the protein, it is predicted to be benign by multiple in silico algorithms, and/or has population frequency not consistent with disease.